The following is an entry in ClinVar:

ClinVar aggregate classification (germline): Pathogenic/Likely pathogenic. Review status: criteria provided, multiple submitters, no conflicts (2 of 4 stars). 2 submissions from 2 submitters: Pathogenic (1); Likely pathogenic (1). Last evaluated 2024-02-26.

Conditions:
Cohen syndrome (COH1). Also called: Cutis verticis gyrata, retinitis pigmentosa, and sensorineural deafness; PEPPER SYNDROME. Identifiers: Orphanet 193, MedGen C0265223, MONDO:0008999, OMIM 216550.

Submissions (2):

Fulgent Genetics
Classification: Likely pathogenic for Cohen syndrome. Last evaluated: 2024-02-26. Review status: criteria provided, single submitter. Criteria: ACMG Guidelines, 2015. Collection method: clinical testing. Allele origin: germline.

Labcorp Genetics (formerly Invitae), Labcorp
Classification: Pathogenic for Cohen syndrome. Last evaluated: 2023-11-11. Review status: criteria provided, single submitter. Criteria: Invitae Variant Classification Sherloc (09022015). Collection method: clinical testing. Allele origin: germline.
Comment: This sequence change creates a premature translational stop signal (p.Gln1070Serfs*31) in the VPS13B gene. It is expected to result in an absent or disrupted protein product. Loss-of-function variants in VPS13B are known to be pathogenic (PMID: 15141358, 16648375, 20461111). This variant is not present in population databases (gnomAD no frequency). This variant has not been reported in the literature in individuals affected with VPS13B-related conditions. For these reasons, this variant has been classified as Pathogenic.

Literature cited by the submitters: PubMed 15141358 (cited by Labcorp Genetics (formerly Invitae), Labcorp); PubMed 16648375 (cited by Labcorp Genetics (formerly Invitae), Labcorp); PubMed 20461111 (cited by Labcorp Genetics (formerly Invitae), Labcorp).

NM_152564.5(VPS13B):c.3208del (p.Gln1070fs)

Gene: VPS13B (vacuolar protein sorting 13 homolog B; plus strand). Cytogenetic location: 8q22.2.
Variant type: Deletion.
Coding change: c.3208del on transcript NM_152564.5 (MANE Select); coding-DNA position 3208, one base deleted (C; older notation c.3208delC).
Protein change: p.Gln1070fs; shifts the reading frame from glutamine 1070.
Molecular consequence: frameshift variant.
Genome position (GRCh38, 1-based): chr8:99,431,662, C deleted. VCF-style (leftmost placement, unchanged base first): chr8-99431661-AC-A. GRCh37 (hg19) VCF-style: chr8-100443889-AC-A.
Other names: c.3208del (NM_017890.4); c.3208delC, p.Gln1070Serfs (NM_017890.4); c.3208del, p.Gln1070fs (NM_017890.5); short protein forms Q1070fs.
Identifiers: ClinVar variation 2730866 (VCV002730866.4), dbSNP rs2490099762, ClinGen allele CA462433133.